The following is an entry in ClinVar:

ClinVar aggregate classification (germline): Uncertain significance (1 of 4 stars; one submission).

Allele frequency attached by ClinVar (database versions not stated): gnomAD exomes below 0.00001.
gnomAD v4.1: 1 of 1,613,556 alleles (0.000062%); highest among the groups gnomAD compares: Non-Finnish European, 0.000085%; no homozygotes.

Submission:

Labcorp Genetics (formerly Invitae), Labcorp
Classification: Uncertain significance. Last evaluated: 2019-09-03. Review status: criteria provided, single submitter. Criteria: Invitae Variant Classification Sherloc (09022015). Collection method: clinical testing. Allele origin: germline.
Comment: In summary, the available evidence is currently insufficient to determine the role of this variant in disease. Therefore, it has been classified as a Variant of Uncertain Significance. Nucleotide substitutions within the consensus splice site are a relatively common cause of aberrant splicing (PMID: 17576681, 9536098). Algorithms developed to predict the effect of sequence changes on RNA splicing suggest that this variant may disrupt the consensus splice site, but this prediction has not been confirmed by published transcriptional studies. Algorithms developed to predict the effect of missense changes on protein structure and function (SIFT, PolyPhen-2, Align-GVGD) all suggest that this variant is likely to be disruptive, but these predictions have not been confirmed by published functional studies and their clinical significance is uncertain. This variant has not been reported in the literature in individuals with ACO2-related conditions. This variant is not present in population databases (ExAC no frequency). This sequence change replaces glycine with arginine at codon 279 of the ACO2 protein (p.Gly279Arg). The glycine residue is highly conserved and there is a moderate physicochemical difference between glycine and arginine. This variant also falls at the last nucleotide of exon 6 of the ACO2 coding sequence, which is part of the consensus splice site for this exon.

Literature cited by the submitters: PubMed 17576681; PubMed 9536098.

NM_001098.3(ACO2):c.835G>C (p.Gly279Arg)

Gene: ACO2 (aconitase 2; plus strand). Cytogenetic location: 22q13.2.
Variant type: single nucleotide variant.
Coding change: c.835G>C on transcript NM_001098.3 (MANE Select); coding-DNA position 835, G replaced by C.
Protein change: p.Gly279Arg; replaces glycine 279 with arginine.
Molecular consequence: missense variant.
Genome position (GRCh38, 1-based): chr22:41,515,917, G>C. VCF-style: chr22-41515917-G-C. GRCh37 (hg19) VCF-style: chr22-41911921-G-C.
Other names: short protein forms G279R.
Identifiers: ClinVar variation 935776 (VCV000935776.9), dbSNP rs2066472661, ClinGen allele CA411720912.